The following is an entry in ClinVar:

ClinVar aggregate classification (germline): Uncertain significance (1 of 4 stars; one submission).

Conditions:
SETD1A-related disorder. Also called: SETD1A-related condition.

Submission:

PreventionGenetics, part of Exact Sciences
Classification: Uncertain significance for SETD1A-related condition. Last evaluated: 2022-09-21. Review status: criteria provided, single submitter. Criteria: ACMG Guidelines, 2015. Collection method: clinical testing. Allele origin: germline.
Comment: The SETD1A c.4369_4370delinsAA variant is predicted to result in an in-frame deletion and insertion. To our knowledge, this variant has not been reported in the literature or in a large population database, indicating this variant is rare. At this time, the clinical significance of this variant is uncertain due to the absence of conclusive functional and genetic evidence.

NM_014712.3(SETD1A):c.4369_4370delinsAA (p.Ala1457Asn)

Gene: SETD1A (SET domain containing 1A, histone lysine methyltransferase; plus strand). Cytogenetic location: 16p11.2.
Variant type: Indel.
Coding change: c.4369_4370delinsAA on transcript NM_014712.3 (MANE Select); coding-DNA positions 4369 to 4370, GC replaced by AA.
Protein change: p.Ala1457Asn; replaces alanine 1457 with asparagine.
Molecular consequence: missense variant.
Genome position (GRCh38, 1-based): chr16:30,980,155-30,980,156, GC replaced by AA. VCF-style: chr16-30980155-GC-AA. GRCh37 (hg19) VCF-style: chr16-30991476-GC-AA.
Other names: short protein forms A1457N.
Identifiers: ClinVar variation 2637001 (VCV002637001.1), dbSNP rs2543906852, ClinGen allele CA2695197634.